The following is an entry in ClinVar:

ClinVar aggregate classification (germline): Uncertain significance. Review status: criteria provided, multiple submitters, no conflicts (2 of 4 stars). 5 submissions from 5 submitters: Uncertain significance (4). 1 of the submissions does not count toward it. Last evaluated 2025-12-21.

Conditions:
Hereditary cancer-predisposing syndrome. Also called: Neoplastic Syndromes, Hereditary; Tumor predisposition; Hereditary neoplastic syndrome; Hereditary Cancer Syndrome. Identifiers: Orphanet 140162, MedGen C0027672, MeSH D009386, MONDO:0015356.
Fumarase deficiency (FMRD). Also called: Fumarate Hydratase Deficiency; Fumaric aciduria. Identifiers: Orphanet 24, MedGen C0342770, MONDO:0011730, OMIM 606812.

Allele frequency attached by ClinVar (database versions not stated): gnomAD below 0.00001 and 0.00001; gnomAD exomes 0.00001 and below 0.00001; ExAC 0.00002.
gnomAD v4.1: 4 of 1,613,836 alleles (0.00025%); highest among the groups gnomAD compares: South Asian, 0.0033%; no homozygotes.

Submissions (5):

Labcorp Genetics (formerly Invitae), Labcorp
Classification: Uncertain significance. Last evaluated: 2025-12-21. Review status: criteria provided, single submitter. Criteria: Invitae Variant Classification Sherloc (09022015). Collection method: clinical testing. Allele origin: germline.
Comment: This sequence change replaces asparagine, which is neutral and polar, with serine, which is neutral and polar, at codon 460 of the FH protein (p.Asn460Ser). This variant is present in population databases (rs767253363, gnomAD 0.006%). This variant has not been reported in the literature in individuals affected with FH-related conditions. ClinVar contains an entry for this variant (Variation ID: 460341). Invitae Evidence Modeling of protein sequence and biophysical properties (such as structural, functional, and spatial information, amino acid conservation, physicochemical variation, residue mobility, and thermodynamic stability) has been performed for this missense variant. However, the output from this modeling did not meet the statistical confidence thresholds required to predict the impact of this variant on FH protein function. In summary, the available evidence is currently insufficient to determine the role of this variant in disease. Therefore, it has been classified as a Variant of Uncertain Significance.

Center for Genomic Medicine, Rigshospitalet, Copenhagen University Hospital
Classification: Uncertain significance. Last evaluated: 2025-03-04. Review status: criteria provided, single submitter. Criteria: ACMG Guidelines, 2015. Collection method: clinical testing. Allele origin: germline.

Ambry Genetics
Classification: Uncertain significance for Hereditary cancer-predisposing syndrome. Last evaluated: 2025-02-18. Review status: criteria provided, single submitter. Criteria: Ambry Variant Classification Scheme 2023. Collection method: clinical testing. Allele origin: germline.
Comment: The p.N460S variant (also known as c.1379A>G), located in coding exon 9 of the FH gene, results from an A to G substitution at nucleotide position 1379. The asparagine at codon 460 is replaced by serine, an amino acid with highly similar properties. This amino acid position is highly conserved in available vertebrate species. In addition, the in silico prediction for this alteration is inconclusive. Since supporting evidence is limited at this time, the clinical significance of this alteration remains unclear.

GeneDx
Classification: Uncertain significance. Last evaluated: 2024-11-17. Review status: criteria provided, single submitter. Criteria: GeneDx Variant Classification Process June 2021. Collection method: clinical testing. Allele origin: germline.
Comment: Not observed at significant frequency in large population cohorts (gnomAD); In silico analysis supports that this missense variant has a deleterious effect on protein structure/function; Observed in an individual with a history of PGL/PCC and absent in control participants (PMID: 36773955); This variant is associated with the following publications: (PMID: 36773955)

Natera, Inc.
Classification: Uncertain significance for Fumarase Deficiency. Last evaluated: 2020-09-22. Review status: no assertion criteria provided. Collection method: clinical testing. Allele origin: germline. Not counted in ClinVar's aggregate classification.

NM_000143.4(FH):c.1379A>G (p.Asn460Ser)

Gene: FH (fumarate hydratase; minus strand). Cytogenetic location: 1q43.
Variant type: single nucleotide variant.
Coding change: c.1379A>G on transcript NM_000143.4 (MANE Select); coding-DNA position 1379, A replaced by G.
Protein change: p.Asn460Ser; replaces asparagine 460 with serine.
Molecular consequence: missense variant.
Genome position (GRCh38, 1-based): chr1:241,500,448, T>C on the plus strand (A>G on the coding strand, the complement: FH is on the minus strand). VCF-style: chr1-241500448-T-C. GRCh37 (hg19) VCF-style: chr1-241663748-T-C.
Other names: short protein forms N460S.
Identifiers: ClinVar variation 460341 (VCV000460341.18), dbSNP rs767253363, ClinGen allele CA1478469.